The following is an entry in ClinVar:

NM_001849.4(COL6A2):c.1654G>A (p.Gly552Arg)

Gene: COL6A2 (collagen type VI alpha 2 chain; plus strand). Cytogenetic location: 21q22.3.
Variant type: single nucleotide variant.
Coding change: c.1654G>A on transcript NM_001849.4 (MANE Select); coding-DNA position 1654, G replaced by A.
Protein change: p.Gly552Arg; replaces glycine 552 with arginine.
Molecular consequence: missense variant.
Genome position (GRCh38, 1-based): chr21:46,122,920, G>A. VCF-style: chr21-46122920-G-A. GRCh37 (hg19) VCF-style: chr21-47542834-G-A.
Other names: c.1654G>A, p.Gly552Arg (NM_058174.3, NM_058175.3); short protein forms G552R.
Identifiers: ClinVar variation 3253061 (VCV003253061.1), dbSNP rs2517009442.

ClinVar aggregate classification (germline): Pathogenic (1 of 4 stars; one submission).

Allele frequency attached by ClinVar (database versions not stated): gnomAD exomes below 0.00001.

Submission:

GeneDx
Classification: Pathogenic. Last evaluated: 2023-12-09. Review status: criteria provided, single submitter. Criteria: GeneDx Variant Classification Process June 2021. Collection method: clinical testing. Allele origin: germline. Affected: yes.
Comment: Replaces the glycine in the canonical Gly-X-Y repeat of the triple helical domain and is expected to disrupt normal protein folding and function, which is an established mechanism of disease (HGMD); In silico analysis supports that this missense variant has a deleterious effect on protein structure/function; Not observed at significant frequency in large population cohorts (gnomAD); Has not been previously published as pathogenic or benign to our knowledge